The following is an entry in ClinVar:

ClinVar aggregate classification (germline): Conflicting classifications of pathogenicity. Review status: criteria provided, conflicting classifications (1 of 4 stars). 2 submissions from 2 submitters: Uncertain significance (1); Likely benign (1). Last evaluated 2025-05-13.

Conditions:
Inborn genetic diseases. Identifiers: MedGen C0950123, MeSH D030342.
Congenital myasthenic syndrome 8. Also called: Myasthenic syndrome, congenital, 8, with pre- and postsynaptic defects; MYASTHENIC SYNDROME, CONGENITAL, DUE TO AGRIN DEFICIENCY. Identifiers: Orphanet 590, MedGen C3808739, MONDO:0014052, OMIM 615120.

Allele frequency attached by ClinVar (database versions not stated): gnomAD 0.00001; gnomAD exomes 0.00001 and 0.00002; TOPMed 0.00001.
gnomAD v4.1: 15 of 1,556,346 alleles (0.00096%); highest among the groups gnomAD compares: Admixed American, 0.0076%; no homozygotes.

Submissions (2):

Ambry Genetics
Classification: Likely benign for Inborn genetic diseases. Last evaluated: 2025-05-13. Review status: criteria provided, single submitter. Criteria: Ambry Variant Classification Scheme 2023. Collection method: clinical testing. Allele origin: germline.

Labcorp Genetics (formerly Invitae), Labcorp
Classification: Uncertain significance for Congenital myasthenic syndrome 8. Last evaluated: 2022-08-16. Review status: criteria provided, single submitter. Criteria: Invitae Variant Classification Sherloc (09022015). Collection method: clinical testing. Allele origin: germline.
Comment: In summary, the available evidence is currently insufficient to determine the role of this variant in disease. Therefore, it has been classified as a Variant of Uncertain Significance. Algorithms developed to predict the effect of missense changes on protein structure and function output the following: SIFT: "Tolerated"; PolyPhen-2: "Benign"; Align-GVGD: "Class C0". The serine amino acid residue is found in multiple mammalian species, which suggests that this missense change does not adversely affect protein function. ClinVar contains an entry for this variant (Variation ID: 1499207). This variant has not been reported in the literature in individuals affected with AGRN-related conditions. The frequency data for this variant in the population databases is considered unreliable, as metrics indicate poor data quality at this position in the gnomAD database. This sequence change replaces glycine, which is neutral and non-polar, with serine, which is neutral and polar, at codon 2010 of the AGRN protein (p.Gly2010Ser).

NM_198576.4(AGRN):c.6028G>A (p.Gly2010Ser)

Gene: AGRN (agrin; plus strand). Cytogenetic location: 1p36.33.
Variant type: single nucleotide variant.
Coding change: c.6028G>A on transcript NM_198576.4 (MANE Select); coding-DNA position 6028, G replaced by A.
Protein change: p.Gly2010Ser; replaces glycine 2010 with serine.
Molecular consequence: missense variant.
Genome position (GRCh38, 1-based): chr1:1,054,871, G>A. VCF-style: chr1-1054871-G-A. GRCh37 (hg19) VCF-style: chr1-990251-G-A.
Other names: c.6028G>A (NM_198576.3); c.6097G>A, p.Gly2033Ser (NM_001305275.2); c.5725G>A, p.Gly1909Ser (NM_001364727.2); short protein forms G1909S, G2033S, G2010S.
Identifiers: ClinVar variation 1499207 (VCV001499207.9), dbSNP rs1166737018, ClinGen allele CA337786641.